The following is an entry in ClinVar:

ClinVar aggregate classification (germline): Uncertain significance (1 of 4 stars; one submission).

gnomAD v4.1: 2 of 1,614,144 alleles (0.00012%); highest among the groups gnomAD compares: Non-Finnish European, 0.00017%; no homozygotes.

Submission:

Labcorp Genetics (formerly Invitae), Labcorp
Classification: Uncertain significance. Last evaluated: 2025-12-15. Review status: criteria provided, single submitter. Criteria: Invitae Variant Classification Sherloc (09022015). Collection method: clinical testing. Allele origin: germline.
Comment: This sequence change replaces glutamic acid, which is acidic and polar, with glutamine, which is neutral and polar, at codon 105 of the TFRC protein (p.Glu105Gln). This variant is not present in population databases (gnomAD no frequency). This variant has not been reported in the literature in individuals affected with TFRC-related conditions. An algorithm developed to predict the effect of missense changes on protein structure and function outputs the following: PolyPhen-2: "Benign". The glutamine amino acid residue is found in multiple mammalian species, which suggests that this missense change does not adversely affect protein function. In summary, the available evidence is currently insufficient to determine the role of this variant in disease. Therefore, it has been classified as a Variant of Uncertain Significance.

NM_001128148.3(TFRC):c.313G>C (p.Glu105Gln)

Gene: TFRC (transferrin receptor; minus strand). Cytogenetic location: 3q29.
Variant type: single nucleotide variant.
Coding change: c.313G>C on transcript NM_001128148.3 (MANE Select); coding-DNA position 313, G replaced by C.
Protein change: p.Glu105Gln; replaces glutamic acid 105 with glutamine.
Molecular consequence: missense variant. On other transcripts: intron variant (1).
Genome position (GRCh38, 1-based): chr3:196,074,051, C>G on the plus strand (G>C on the coding strand, the complement: TFRC is on the minus strand). VCF-style: chr3-196074051-C-G. GRCh37 (hg19) VCF-style: chr3-195800922-C-G.
Other names: c.70G>C, p.Glu24Gln (NM_001313965.2); c.313G>C, p.Glu105Gln (NM_003234.4); c.-412-1899G>C (NM_001313966.2); short protein forms E105Q, E24Q.
Identifiers: ClinVar variation 4763950 (VCV004763950.1).